The following is an entry in ClinVar:

NM_004006.3(DMD):c.832-3C>A

Gene: DMD (dystrophin; minus strand). Cytogenetic location: Xp21.1.
Variant type: single nucleotide variant.
Coding change: c.832-3C>A on transcript NM_004006.3 (MANE Select); 3 bases into the intron before coding-DNA position 832, C replaced by A.
Molecular consequence: intron variant.
Genome position (GRCh38, 1-based): chrX:32,698,001, G>T on the plus strand (C>A on the coding strand, the complement: DMD is on the minus strand). VCF-style: chrX-32698001-G-T. GRCh37 (hg19) VCF-style: chrX-32716118-G-T.
Other names: c.808-3C>A (NM_000109.4); c.820-3C>A (NM_004009.3); c.463-3C>A (NM_004010.3).
Identifiers: ClinVar variation 1376712 (VCV001376712.3), dbSNP rs777492476, ClinGen allele CA2573158585.

ClinVar aggregate classification (germline): Uncertain significance (1 of 4 stars; one submission).

Conditions:
Duchenne muscular dystrophy (DMD). Also called: MUSCULAR DYSTROPHY, PSEUDOHYPERTROPHIC PROGRESSIVE, DUCHENNE TYPE; Duchenne Muscular Dystrophy (DMD). Identifiers: Orphanet 98896, MedGen C0013264, MONDO:0010679, OMIM 310200.

gnomAD v4.1: 2 of 1,188,923 alleles (0.00017%); highest among the groups gnomAD compares: Non-Finnish European, 0.00011%; no homozygotes.

Submission:

Labcorp Genetics (formerly Invitae), Labcorp
Classification: Uncertain significance for Duchenne muscular dystrophy. Last evaluated: 2021-08-27. Review status: criteria provided, single submitter. Criteria: Invitae Variant Classification Sherloc (09022015). Collection method: clinical testing. Allele origin: germline.
Comment: This sequence change falls in intron 8 of the DMD gene. It does not directly change the encoded amino acid sequence of the DMD protein. It affects a nucleotide within the consensus splice site of the intron. This variant is not present in population databases (ExAC no frequency). This variant has not been reported in the literature in individuals affected with DMD-related conditions. Variants that disrupt the consensus splice site are a relatively common cause of aberrant splicing (PMID: 17576681, 9536098). Algorithms developed to predict the effect of sequence changes on RNA splicing suggest that this variant may disrupt the consensus splice site. In summary, the available evidence is currently insufficient to determine the role of this variant in disease. Therefore, it has been classified as a Variant of Uncertain Significance.

Literature cited by the submitters: PubMed 17576681; PubMed 9536098.